The following is an entry in ClinVar:

NM_006914.4(RORB):c.813_815dup (p.Tyr272Ter)

Gene: RORB (RAR related orphan receptor B; plus strand). Cytogenetic location: 9q21.13.
Variant type: Duplication.
Coding change: c.813_815dup on transcript NM_006914.4 (MANE Select); coding-DNA positions 813 to 815, 3 bases duplicated (ATA; older notation c.813_815dupATA).
Protein change: p.Tyr272Ter; replaces tyrosine 272 with a stop codon.
Molecular consequence: nonsense.
Genome position (GRCh38, 1-based): chr9:74,662,527-74,662,529, ATA duplicated; duplicating any 3 consecutive bases within chr9:74,662,526-74,662,529 gives the same sequence; the c. name uses the placement nearest the transcript's 3' end. VCF-style (leftmost placement, unchanged base first): chr9-74662525-C-CAAT. GRCh37 (hg19) VCF-style: chr9-77277441-C-CAAT.
Other names: c.846_848dup, p.Tyr283Ter (NM_001365023.1); short protein forms Y283*, Y272*.
Identifiers: ClinVar variation 4726933 (VCV004726933.1).

ClinVar aggregate classification (germline): Pathogenic (1 of 4 stars; one submission).

Submission:

Labcorp Genetics (formerly Invitae), Labcorp
Classification: Pathogenic. Last evaluated: 2025-09-10. Review status: criteria provided, single submitter. Criteria: Invitae Variant Classification Sherloc (09022015). Collection method: clinical testing. Allele origin: germline.
Comment: This sequence change creates a premature translational stop signal (p.Tyr272*) in the RORB gene. It is expected to result in an absent or disrupted protein product. Loss-of-function variants in RORB are known to be pathogenic (PMID: 27352968, 32162308, 38165337). This variant is not present in population databases (gnomAD no frequency). This variant has not been reported in the literature in individuals affected with RORB-related conditions. For these reasons, this variant has been classified as Pathogenic.

Literature cited by the submitters: PubMed 27352968; PubMed 32162308; PubMed 38165337.